The following is an entry in ClinVar:

ClinVar aggregate classification (germline): Conflicting classifications of pathogenicity. Review status: criteria provided, conflicting classifications (1 of 4 stars). 15 submissions from 13 submitters: Uncertain significance (3); Benign (4); Likely benign (7). 1 of the submissions does not count toward it. Last evaluated 2026-07-01.

Conditions:
Ehlers-Danlos syndrome (EDS). Identifiers: Orphanet 98249, MedGen C0013720, MONDO:0020066.
Cardiovascular phenotype. Identifiers: MedGen CN230736.
COL1A1-related disorder. Also called: COL1A1-related condition; COL1A1- related disease.
Keratoconus (KC). Identifiers: MedGen C0022578, MeSH D007640, MONDO:0015486, HP:0000563.
Infantile cortical hyperostosis. Also called: P1PK BLOOD GROUP SYSTEM, P(2) PHENOTYPE; Caffey Disease; Hyperostosis, Cortical, Congenital. Identifiers: Orphanet 1310, MedGen C0020497, MONDO:0007244, OMIM 114000.
Osteogenesis imperfecta type I (OI1). Also called: Lobstein's Disease; Classic Non-deforming Osteogenesis Imperfecta with Blue Sclerae; Osteogenesis imperfecta type 1; Lobstein disease; OI, TYPE I; OSTEOGENESIS IMPERFECTA TARDA. Identifiers: Orphanet 216796, Orphanet 666, MedGen C0023931, MONDO:0008146, OMIM 166200. Disease mechanism: loss of function.
Osteogenesis imperfecta (OI). Identifiers: Orphanet 666, MedGen C0029434, MeSH D010013, MONDO:0019019.
Ehlers-Danlos syndrome, arthrochalasia type. Also called: ARTHROCHALASIS MULTIPLEX CONGENITA; EDS VII, MUTANT PROCOLLAGEN TYPE; EDS VIIA; Ehlers-Danlos syndrome, arthrochalasis type; Ehlers-Danlos syndrome, arthrochalasia type, 1. Identifiers: Orphanet 1899, Orphanet 99875, Orphanet 99876, MedGen C4551623, MONDO:0007525, OMIM 130060.
Hypertrophic cardiomyopathy. Also called: HYPERTROPHIC MYOCARDIOPATHY. Identifiers: Orphanet 217569, MedGen C0007194, MeSH D002312, MONDO:0005045, HP:0001639.

Allele frequency attached by ClinVar (database versions not stated): gnomAD 0.00006 and 0.00009; ESP Exome Variant Server 0.00015; TOPMed 0.00023; 1000 Genomes Project 30x 0.00078; 1000 Genomes Project 0.00100.
gnomAD v4.1: 177 of 1,613,598 alleles (0.011%); highest among the groups gnomAD compares: East Asian, 0.15%; no homozygotes.

Submissions (15):

CeGaT Center for Human Genetics Tuebingen
Classification: Likely benign. Last evaluated: 2026-07-01. Review status: criteria provided, single submitter. Criteria: CeGaT Center For Human Genetics Tuebingen Variant Classification Criteria Version 2. Collection method: clinical testing. Allele origin: germline. Affected: yes. Observed: 3 variant alleles.
Comment: COL1A1: BS1

Labcorp Genetics (formerly Invitae), Labcorp
Classification: Likely benign for Osteogenesis imperfecta type I. Last evaluated: 2026-02-02. Review status: criteria provided, single submitter. Criteria: Invitae Variant Classification Sherloc (09022015). Collection method: clinical testing. Allele origin: germline.

PreventionGenetics, part of Exact Sciences
Classification: Likely benign for COL1A1-related condition. Last evaluated: 2024-11-05. Review status: criteria provided, single submitter. Criteria: ACMG Guidelines, 2015. Collection method: clinical testing. Allele origin: germline.
Comment: This variant is classified as likely benign based on ACMG/AMP sequence variant interpretation guidelines (Richards et al. 2015 PMID: 25741868, with internal and published modifications).

Blueprint Genetics
Classification: Likely benign. Last evaluated: 2024-10-18. Review status: criteria provided, single submitter. Criteria: ACMG Guidelines, 2015. Collection method: clinical testing. Allele origin: germline.

Clinical Center for Gene Diagnosis and Therapy, Department of Cardiovascular Surgery, The Second Xiangya Hospital of Central South University
Classification: Uncertain significance for Hypertrophic cardiomyopathy. Last evaluated: 2023-06-01. Review status: criteria provided, single submitter. Criteria: ACMG Guidelines, 2015. Collection method: clinical testing. Allele origin: germline. Affected: yes.

ARUP Laboratories, Molecular Genetics and Genomics, ARUP Laboratories
Classification: Likely benign. Last evaluated: 2023-03-07. Review status: criteria provided, single submitter. Criteria: ARUP Molecular Germline Variant Investigation Process 2024. Collection method: clinical testing. Allele origin: germline.

Women's Health and Genetics/Laboratory Corporation of America, LabCorp
Classification: Benign. Last evaluated: 2022-09-23. Review status: criteria provided, single submitter. Criteria: LabCorp Variant Classification Summary - May 2015. Collection method: clinical testing. Allele origin: germline.
Comment: Variant summary: COL1A1 c.3766G>A (p.Ala1256Thr) results in a non-conservative amino acid change located in the Fibrillar collagen, C-terminal domain (IPR000885) of the encoded protein sequence. Five of five in-silico tools predict a damaging effect of the variant on protein function. The variant allele was found at a frequency of 0.00023 in 250554 control chromosomes (gnomAD), predominantly at a frequency of 0.0021 within the East Asian subpopulation in the gnomAD database. The observed variant frequency within East Asian control individuals in the gnomAD database is approximately 75 fold of the estimated maximal expected allele frequency for a pathogenic variant in COL1A1 causing Osteogenesis Imperfecta phenotype (2.8e-05), strongly suggesting that the variant is a benign polymorphism found primarily in populations of East Asian origin. c.3766G>A has been reported in the literature in individuals affected with Osteogenesis Imperfecta, although with no evidence for familial transmission (Zhang_2012, Ho Duy_2016). In one affected compound heterozygous individual, the variant of interest was inherited from an unaffected mother and a pathogenic splice variant (COL1A1 c.1354-12G>A) was inherited from an affected father who had additional family history of Osteogenesis Imperfecta (Li_2019), providing supporting evidence for a benign role. To our knowledge, no experimental evidence demonstrating an impact on protein function has been reported. Five ClinVar submitters have assessed the variant since 2014: two classified the variant as uncertain significance, two as likely benign, and one as benign. Based on the evidence outlined above, the variant was classified as benign.

Genome Diagnostics Laboratory, The Hospital for Sick Children
Classification: Uncertain significance for Ehlers-Danlos syndrome. Last evaluated: 2019-12-01. Review status: criteria provided, single submitter. Criteria: ACMG Guidelines, 2015. Collection method: clinical testing. Allele origin: germline.

Ambry Genetics
Classification: Likely benign for Cardiovascular phenotype. Last evaluated: 2019-10-14. Review status: criteria provided, single submitter. Criteria: Ambry Variant Classification Scheme 2023. Collection method: clinical testing. Allele origin: germline.

GeneDx
Classification: Likely benign. Last evaluated: 2019-01-23. Review status: criteria provided, single submitter. Criteria: GeneDx Variant Classification Process June 2021. Collection method: clinical testing. Allele origin: germline. Affected: yes.
Comment: This variant is associated with the following publications: (PMID: 27519266, 25146735, 26901136, 21667357)

Illumina Laboratory Services, Illumina
Classification: Benign for Infantile cortical hyperostosis. Last evaluated: 2017-04-27. Review status: criteria provided, single submitter. Criteria: ICSL Variant Classification Criteria 13 December 2019. Collection method: clinical testing. Allele origin: germline.
Comment: This variant was observed as part of a predisposition screen in an ostensibly healthy population. A literature search was performed for the gene, cDNA change, and amino acid change (where applicable). No publications were found based on this search. Allele frequency data from public databases was too high to be consistent with this variant causing disease. Therefore, this variant is classified as benign.

Illumina Laboratory Services, Illumina
Classification: Benign for Ehlers-Danlos syndrome, arthrochalasia type. Last evaluated: 2017-04-27. Review status: criteria provided, single submitter. Criteria: ICSL Variant Classification Criteria 13 December 2019. Collection method: clinical testing. Allele origin: germline.
Comment: the same text as in the submission from Illumina Laboratory Services, Illumina above.

Illumina Laboratory Services, Illumina
Classification: Benign for Osteogenesis imperfecta. Last evaluated: 2017-04-27. Review status: criteria provided, single submitter. Criteria: ICSL Variant Classification Criteria 13 December 2019. Collection method: clinical testing. Allele origin: germline.
Comment: This variant was observed as part of a predisposition screen in an ostensibly healthy population. A literature search was performed for the gene, cDNA change, and amino acid change (where applicable). Publications were found based on this search. The evidence from the literature, in combination with allele frequency data from public databases where available, was sufficient to rule this variant out of causing disease. Therefore, this variant is classified as benign.

Soonchunhyang University Bucheon Hospital, Soonchunhyang University Medical Center
Classification: Uncertain significance for Osteogenesis imperfecta type I. Last evaluated: 2016-03-18. Review status: criteria provided, single submitter. Criteria: ACMG Guidelines, 2015. Collection method: reference population. Allele origin: germline. Observed: 1 variant allele.

Refractive Surgery Department, Bright Eye Hospital
Classification: Likely pathogenic for Keratoconus. Last evaluated: 2023-08-27. Review status: no assertion criteria provided. Collection method: clinical testing. Allele origin: biparental. Inheritance: Autosomal dominant inheritance. Affected: yes. Observed: 4 variant alleles, 4 heterozygotes. Not counted in ClinVar's aggregate classification.
Comment: COL1A1 encodes type I collagens, which are the major components of the corneal stroma and basement membranes. The amounts of collagen type I and type V are important for maintaining the stroma organization and shape and strength of the cornea. In this study, a heterozygous variant c.3766G>A in COL1A1 was detected in family 2, which is located in exon 18 and causes a p.A1256T amino acid change.

Literature cited by the submitters: PubMed 21667357 (cited by 4 submitters); PubMed 30715774 (cited by Women's Health and Genetics/Laboratory Corporation of America, LabCorp); PubMed 27519266 (cited by Women's Health and Genetics/Laboratory Corporation of America, LabCorp).

NM_000088.4(COL1A1):c.3766G>A (p.Ala1256Thr)

Gene: COL1A1 (collagen type I alpha 1 chain; minus strand). Cytogenetic location: 17q21.33.
Variant type: single nucleotide variant.
Coding change: c.3766G>A on transcript NM_000088.4 (MANE Select); coding-DNA position 3766, G replaced by A.
Protein change: p.Ala1256Thr; replaces alanine 1256 with threonine.
Molecular consequence: missense variant.
Genome position (GRCh38, 1-based): chr17:50,186,688, C>T on the plus strand (G>A on the coding strand, the complement: COL1A1 is on the minus strand). VCF-style: chr17-50186688-C-T. GRCh37 (hg19) VCF-style: chr17-48264049-C-T.
Other names: short protein forms A1256T.
Identifiers: ClinVar variation 225320 (VCV000225320.42), dbSNP rs148216434, ClinGen allele CA8644359.
Genomic context (GRCh38, chr17:50,186,688, plus strand): 5'-GCAGGCCCTCACCACTCTTCCAGTCAGAGTGGCACATCTTGAGGTCACGGCAGGTGCGGG[C>T]GGGGTTCTTGCGGCTGCCCTCTGGGCTCCGGATGTTCTCGATCTGCTGGCTCAGGCTCTT-3'
Protein context (NP_000079.2, residues 1246-1266): RSPEGSRKNP[Ala1256Thr]RTCRDLKMCH